The following is an entry in ClinVar:

ClinVar aggregate classification (germline): Pathogenic (1 of 4 stars; one submission).

Conditions:
Hyperinsulinemic hypoglycemia, familial, 1 (HHF1). Also called: HYPERINSULINISM, FAMILIAL, WITH PANCREATIC NESIDIOBLASTOSIS; HYPOGLYCEMIA, HYPERINSULINEMIC, OF INFANCY; NESIDIOBLASTOSIS OF PANCREAS; Persistent Hyperinsulinemia Hypoglycemia of Infancy; Persistent hyperinsulinemic hypoglycemia of infancy. Identifiers: Orphanet 276575, Orphanet 276598, MedGen C2931832, MONDO:0009734, OMIM 256450.

Submission:

Myriad Genetics, Inc.
Classification: Pathogenic for Hyperinsulinemic hypoglycemia, familial, 1. Last evaluated: 2023-08-17. Review status: criteria provided, single submitter. Criteria: Myriad Autosomal Dominant, Autosomal Recessive and X-Linked Classification Criteria (2023). Collection method: clinical testing. Allele origin: unknown.
Comment: NM_000352.3(ABCC8):c.3756_3759del4ins23(E1252Dfs*6) is expected to be pathogenic in the context of familial hyperinsulinism, ABCC8-related. This variant is predicted to lead to an abnormal or absent protein product due to the creation of a premature termination codon in ABCC8, a gene where loss-of-function variants are known to be pathogenic. Please note: this variant was assessed in the context of healthy population screening.

NM_000352.6(ABCC8):c.3756_3759delinsTCACAGATGTGTATAAAGACAGT (p.Glu1252_Tyr1253delinsAspHisArgCysValTer)

Gene: ABCC8 (ATP binding cassette subfamily C member 8; minus strand). Cytogenetic location: 11p15.1.
Variant type: Indel.
Coding change: c.3756_3759delinsTCACAGATGTGTATAAAGACAGT on transcript NM_000352.6 (MANE Select); coding-DNA positions 3756 to 3759, GTAC replaced by TCACAGATGTGTATAAAGACAGT.
Protein change: p.Glu1252_Tyr1253delinsAspHisArgCysValTer.
Molecular consequence: nonsense. On other transcripts: non-coding transcript variant (1).
Genome position (GRCh38, 1-based): chr11:17,397,792-17,397,795, GTAC replaced by ACTGTCTTTATACACATCTGTGA on the plus strand (GTAC replaced by TCACAGATGTGTATAAAGACAGT on the coding strand, the reverse complement: ABCC8 is on the minus strand). VCF-style: chr11-17397792-GTAC-ACTGTCTTTATACACATCTGTGA. GRCh37 (hg19) VCF-style: chr11-17419339-GTAC-ACTGTCTTTATACACATCTGTGA.
Other names: c.3759_3762delinsTCACAGATGTGTATAAAGACAGT, p.Glu1253_Tyr1254delinsAspHisArgCysValTer (NM_001287174.3); c.3822_3825delinsTCACAGATGTGTATAAAGACAGT, p.Glu1274_Tyr1275delinsAspHisArgCysValTer (NM_001351295.2); c.3756_3759delinsTCACAGATGTGTATAAAGACAGT, p.Glu1252_Tyr1253delinsAspHisArgCysValTer (NM_001351296.2); c.3753_3756delinsTCACAGATGTGTATAAAGACAGT, p.Glu1251_Tyr1252delinsAspHisArgCysValTer (NM_001351297.2).
Identifiers: ClinVar variation 5011371 (VCV005011371.1).